The following is an entry in ClinVar:

NM_001018005.2(TPM1):c.797A>G (p.Lys266Arg)

Gene: TPM1 (tropomyosin 1; plus strand). Cytogenetic location: 15q22.2.
Variant type: single nucleotide variant.
Coding change: c.797A>G on transcript NM_001018005.2 (MANE Select); coding-DNA position 797, A replaced by G.
Protein change: p.Lys266Arg; replaces lysine 266 with arginine.
Molecular consequence: missense variant. On other transcripts: intron variant (12).
Genome position (GRCh38, 1-based): chr15:63,064,088, A>G. VCF-style: chr15-63064088-A-G. GRCh37 (hg19) VCF-style: chr15-63356287-A-G.
Other names: c.797A>G, p.Lys266Arg (NM_000366.6, NM_001301244.2, NM_001365779.1); c.689A>G, p.Lys230Arg (NM_001330346.2, NM_001365781.2, NM_001365782.1); c.898+1443A>G (NM_001365778.1); c.772+1443A>G (NM_001018020.2, NM_001018007.2, NM_001018006.2 and 3 more transcripts); c.664+1443A>G (NM_001330351.2, NM_001330344.2, NM_001018008.2 and 2 more transcripts); short protein forms K266R, K230R.
Identifiers: ClinVar variation 178148 (VCV000178148.27), dbSNP rs371934474, ClinGen allele CA018361.

ClinVar aggregate classification (germline): Likely benign. Review status: reviewed by expert panel (3 of 4 stars). 10 submissions from 10 submitters: Likely benign (1). 9 of the submissions do not count toward it. Last evaluated 2025-11-14.

Conditions:
TPM1-related disorder. Also called: TPM1-related condition.
Cardiovascular phenotype. Identifiers: MedGen CN230736.
Left ventricular noncompaction. Identifiers: Orphanet 54260, MedGen C1960469, MONDO:0018901, HP:0030682.
Cardiomyopathy (CMYO). Also called: Cardiomyopathies. Identifiers: Orphanet 167848, MedGen C0878544, MONDO:0004994, HP:0001638. Inheritance: Various modes of inheritance.
Hypertrophic cardiomyopathy. Also called: HYPERTROPHIC MYOCARDIOPATHY. Identifiers: Orphanet 217569, MedGen C0007194, MeSH D002312, MONDO:0005045, HP:0001639.

Allele frequency attached by ClinVar (database versions not stated): gnomAD exomes 0.00005 and 0.00002; ESP Exome Variant Server 0.00008; 1000 Genomes Project 30x 0.00016; TOPMed 0.00018; 1000 Genomes Project 0.00020; gnomAD 0.00020 and 0.00021; ExAC 0.00004.
gnomAD v4.1: 59 of 1,614,132 alleles (0.0037%); highest among the groups gnomAD compares: African/African-American, 0.068%; no homozygotes.

Submissions (10):

ClinGen Cardiomyopathy Variant Curation Expert Panel
Classification: Likely benign for Hypertrophic cardiomyopathy. Last evaluated: 2025-11-14. Review status: reviewed by expert panel. Criteria: ClinGen CMP ACMG Specifications TPM1 V1.0.0. Collection method: curation. Allele origin: germline. Inheritance: Autosomal dominant inheritance.
Comment: NM_001018005.2(TPM1):c.797A>G (p.Lys266Arg). This variant has been reported in individuals with HCM and other cardiomyopathies (Wash 2017 PMID: 27532257, Burstein 2021 PMID: 32746448, Rippert 2023 PMID: 40225148). This variant is not statistically increased in individuals with cardiomyopathy compared to controls [OR lower 95% CI <5] and thus the PS4 criterion is not invoked. This missense variant is in a gene that has been determined to have a low rate of benign missense variation and in which missense variants are a common mechanism of disease (PP2; Walsh et al. 2019 PMID:30696458). Computational prediction tools do not provide evidence for or against an impact to the protein (REVEL score <0.70). Additionally, this variant has been identified in 20 out of 24958 (BS1; 0.04% GroupMax FAF 95% CI) of African chromosomes in gnomAD (v.2.1), which is a high enough frequency to be classified as likely benign based on thresholds defined by the ClinGen Inherited Cardiomyopathy Expert Panel. Allowing a variant to reach a likely benign classification based on BS1 alone represents a revision of the original ACMG/AMP framework by ClinGen’s Sequence Variant Interpretation Working Group (Tavtigian 2018 PMID: 29300386). Additionally, while this missense variant is in a gene that has a low rate of benign variation (PP2), this evidence code was not considered to be in conflict with a likely benign conclusion. In summary, this variant meets criteria to be classified as likely benign for hypertrophic cardiomyopathy in an autosomal dominant manner based on BS1 and PP2.

Labcorp Genetics (formerly Invitae), Labcorp
Classification: Likely benign for Hypertrophic cardiomyopathy. Last evaluated: 2026-01-26. Review status: criteria provided, single submitter. Criteria: Invitae Variant Classification Sherloc (09022015). Collection method: clinical testing. Allele origin: germline. Not counted in ClinVar's aggregate classification.

PreventionGenetics, part of Exact Sciences
Classification: Likely benign for TPM1-related condition. Last evaluated: 2025-05-14. Review status: criteria provided, single submitter. Criteria: ACMG Guidelines, 2015. Collection method: clinical testing. Allele origin: germline. Not counted in ClinVar's aggregate classification.
Comment: This variant is classified as likely benign based on ACMG/AMP sequence variant interpretation guidelines (Richards et al. 2015 PMID: 25741868, with internal and published modifications).

Ambry Genetics
Classification: Likely benign for Cardiovascular phenotype. Last evaluated: 2023-05-08. Review status: criteria provided, single submitter. Criteria: Ambry Variant Classification Scheme 2023. Collection method: clinical testing. Allele origin: germline. Not counted in ClinVar's aggregate classification.

Color Diagnostics, LLC DBA Color Health
Classification: Likely benign for Cardiomyopathy. Last evaluated: 2023-03-08. Review status: criteria provided, single submitter. Criteria: ACMG Guidelines, 2015. Collection method: clinical testing. Allele origin: germline. Not counted in ClinVar's aggregate classification.

Mayo Clinic Laboratories, Mayo Clinic
Classification: Uncertain significance. Last evaluated: 2021-03-02. Review status: criteria provided, single submitter. Criteria: ACMG Guidelines, 2015. Collection method: clinical testing. Allele origin: germline. Observed: 1 variant allele. Not counted in ClinVar's aggregate classification.

CHEO Genetics Diagnostic Laboratory, Children's Hospital of Eastern Ontario
Classification: Likely benign for Cardiomyopathy. Last evaluated: 2020-10-28. Review status: criteria provided, single submitter. Criteria: ACMG Guidelines, 2015. Collection method: clinical testing. Allele origin: germline. Not counted in ClinVar's aggregate classification.

Women's Health and Genetics/Laboratory Corporation of America, LabCorp
Classification: Uncertain significance. Last evaluated: 2018-11-19. Review status: criteria provided, single submitter. Criteria: LabCorp Variant Classification Summary - May 2015. Collection method: clinical testing. Allele origin: germline. Not counted in ClinVar's aggregate classification.
Comment: Variant summary: TPM1 c.797A>G (p.Lys266Arg) results in a conservative amino acid change in the encoded protein sequence. Three of five in-silico tools predict a benign effect of the variant on protein function. The variant allele was found at a frequency of 7.6e-05 in 277096 control chromosomes, predominantly within the African subpopulation at a frequency of 0.00083 in the gnomAD database. The observed variant frequency within African control individuals in the gnomAD database is approximately 11 fold of the estimated maximal expected allele frequency for a pathogenic variant in TPM1 causing Cardiomyopathy phenotype (7.5e-05), suggesting that the variant is a benign polymorphism found primarily in populations of African origin. c.797A>G has been reported in the literature in two individuals affected with Cardiomyopathy (Walsh 2017). These reports do not provide unequivocal conclusions about association of the variant with Cardiomyopathy. To our knowledge, no experimental evidence demonstrating an impact on protein function has been reported. Two clinical diagnostic laboratories have submitted clinical-significance assessments for this variant to ClinVar after 2014 without evidence for independent evaluation, and both of them classified the variant as uncertain significance. Based on the evidence outlined above, the variant was classified as VUS-possibly benign.

Molecular Diagnostic Laboratory for Inherited Cardiovascular Disease, Montreal Heart Institute
Classification: Uncertain significance for Left ventricular noncompaction. Last evaluated: 2017-07-26. Review status: criteria provided, single submitter. Criteria: ACMG Guidelines, 2015. Collection method: clinical testing. Allele origin: germline. Affected: yes. Not counted in ClinVar's aggregate classification.

Laboratory for Molecular Medicine, Mass General Brigham Personalized Medicine
Classification: Uncertain significance. Last evaluated: 2014-01-17. Review status: criteria provided, single submitter. Criteria: LMM Criteria. Collection method: clinical testing. Allele origin: germline. Observed: 2 variant alleles. Not counted in ClinVar's aggregate classification.
Comment: The Lys266Arg variant in TPM1 has not been previously reported in any other fami lies with cardiomyopathy, but has been identified in 1/4406 African American chr omosomes by the NHLBI Exome Sequencing Project. Computational analyses (biochemical amino acid properties, conservation, Ali gnGVGD, PolyPhen2, and SIFT) do not provide strong support for or against an imp act to the protein. Additional information is needed to fully assess the clinica l significance of this variant.

Literature cited by the submitters: PubMed 22958901 (cited by Ambry Genetics and Women's Health and Genetics/Laboratory Corporation of America, LabCorp); PubMed 27532257 (cited by Ambry Genetics and Women's Health and Genetics/Laboratory Corporation of America, LabCorp); PubMed 32746448 (cited by Ambry Genetics); PubMed 35470680 (cited by Ambry Genetics).